The following is an entry in ClinVar:

NM_001918.5(DBT):c.1024C>T (p.His342Tyr)

Gene: DBT (dihydrolipoamide branched chain transacylase E2; minus strand). Cytogenetic location: 1p21.2.
Variant type: single nucleotide variant.
Coding change: c.1024C>T on transcript NM_001918.5 (MANE Select); coding-DNA position 1024, C replaced by T.
Protein change: p.His342Tyr; replaces histidine 342 with tyrosine.
Molecular consequence: missense variant.
Genome position (GRCh38, 1-based): chr1:100,206,630, G>A on the plus strand (C>T on the coding strand, the complement: DBT is on the minus strand). VCF-style: chr1-100206630-G-A. GRCh37 (hg19) VCF-style: chr1-100672186-G-A.
Other names: short protein forms H342Y.
Identifiers: ClinVar variation 166982 (VCV000166982.6), dbSNP rs398123655, ClinGen allele CA233876.

ClinVar aggregate classification (germline): Uncertain significance. Review status: criteria provided, multiple submitters, no conflicts (2 of 4 stars). 2 submissions from 2 submitters: Uncertain significance (2). Last evaluated 2024-05-03.

Allele frequency attached by ClinVar (database versions not stated): ExAC 0.00001; gnomAD 0.00001; TOPMed 0.00002.
gnomAD v4.1: 15 of 1,600,934 alleles (0.00094%); highest among the groups gnomAD compares: Non-Finnish European, 0.0013%; no homozygotes.

Submissions (2):

Women's Health and Genetics/Laboratory Corporation of America, LabCorp
Classification: Uncertain significance. Last evaluated: 2024-05-03. Review status: criteria provided, single submitter. Criteria: LabCorp Variant Classification Summary - May 2015. Collection method: clinical testing. Allele origin: germline.
Comment: Variant summary: DBT c.1024C>T (p.His342Tyr) results in a conservative amino acid change located in the 2-oxoacid dehydrogenase acyltransferase, catalytic domain (IPR001078) of the encoded protein sequence. Three of five in-silico tools predict a damaging effect of the variant on protein function. The variant allele was found at a frequency of 8e-06 in 250846 control chromosomes. c.1024C>T has been reported in the literature in the homozygous state in at least one individual affected with Maple Syrup Urine Disease (Strauss_2020). These data indicate that the variant may be associated with disease. To our knowledge, no experimental evidence demonstrating an impact on protein function has been reported. The following publication has been ascertained in the context of this evaluation (PMID: 31980395). ClinVar contains an entry for this variant (Variation ID: 166982). Based on the evidence outlined above, the variant was classified as VUS-possibly pathogenic.

Eurofins Ntd Llc (ga)
Classification: Uncertain significance. Last evaluated: 2014-02-27. Review status: criteria provided, single submitter. Criteria: EGL Classification Definitions 2015. Collection method: clinical testing. Allele origin: germline. Observed: 1 variant allele, 1 homozygote.

Literature cited by the submitters: PubMed 31980395 (cited by Women's Health and Genetics/Laboratory Corporation of America, LabCorp).